The following is an entry in ClinVar:

ClinVar aggregate classification (germline): Pathogenic (1 of 4 stars; one submission).

Conditions:
Marfan syndrome (MFS). Also called: Marfan syndrome type 1; Marfan's syndrome; FBN1-Related Marfan Syndrome; MARFAN SYNDROME, TYPE I; Marfan syndrome, classic. Identifiers: Orphanet 284963, Orphanet 558, MedGen C0024796, MONDO:0007947, OMIM 154700.

Submission:

Centre of Medical Genetics, University of Antwerp
Classification: Pathogenic for Marfan syndrome. Last evaluated: 2021-03-01. Review status: criteria provided, single submitter. Criteria: Submitter's publication. Collection method: research. Allele origin: unknown. Affected: yes.
Comment: PM2, PVS1, PP4

NM_000138.5(FBN1):c.1936_1951dup (p.Val651fs)

Gene: FBN1 (fibrillin 1; minus strand). Cytogenetic location: 15q21.1.
Variant type: Duplication.
Coding change: c.1936_1951dup on transcript NM_000138.5 (MANE Select); coding-DNA positions 1936 to 1951, 16 bases duplicated (GGTCTGGATGGCCGTG).
Protein change: p.Val651fs; shifts the reading frame from valine 651.
Molecular consequence: frameshift variant.
Genome position (GRCh38, 1-based): chr15:48,505,034-48,505,049, CACGGCCATCCAGACC duplicated on the plus strand (GGTCTGGATGGCCGTG on the coding strand, the reverse complement: FBN1 is on the minus strand); duplicating any 16 consecutive bases within chr15:48,505,034-48,505,052 gives the same sequence; the c. name uses the placement nearest the transcript's 3' end. VCF-style (leftmost placement, unchanged base first): chr15-48505033-A-ACACGGCCATCCAGACC. GRCh37 (hg19) VCF-style: chr15-48797230-A-ACACGGCCATCCAGACC.
Other names: c.1936_1951dup (NM_000138.4); c.1936_1951dup, p.Val651fs (NM_001406716.1); short protein forms V651fs.
Identifiers: ClinVar variation 1325478 (VCV001325478.2), dbSNP rs2141317141, ClinGen allele CA2573150784.